The following is an entry in ClinVar:

NM_000065.5(C6):c.2291-1G>A

Gene: C6 (complement C6; minus strand). Cytogenetic location: 5p13.1.
Variant type: single nucleotide variant.
Coding change: c.2291-1G>A on transcript NM_000065.5 (MANE Select); the canonical splice acceptor site of the intron before coding-DNA position 2291, G replaced by A.
Molecular consequence: splice acceptor variant.
Genome position (GRCh38, 1-based): chr5:41,150,026, C>T on the plus strand (G>A on the coding strand, the complement: C6 is on the minus strand). VCF-style: chr5-41150026-C-T. GRCh37 (hg19) VCF-style: chr5-41150128-C-T.
Other names: c.2291-1G>A (NM_001115131.4).
Identifiers: ClinVar variation 1490099 (VCV001490099.6), dbSNP rs759338755, ClinGen allele CA3252155.

ClinVar aggregate classification (germline): Likely pathogenic (1 of 4 stars; one submission).

Allele frequency attached by ClinVar (database versions not stated): gnomAD exomes 0.00002 and 0.00008; TOPMed 0.00003; ExAC 0.00004.
gnomAD v4.1: 22 of 1,602,194 alleles (0.0014%); highest among the groups gnomAD compares: Admixed American, 0.035%; no homozygotes.

Submission:

Labcorp Genetics (formerly Invitae), Labcorp
Classification: Likely pathogenic. Last evaluated: 2025-05-26. Review status: criteria provided, single submitter. Criteria: Invitae Variant Classification Sherloc (09022015). Collection method: clinical testing. Allele origin: germline.
Comment: This sequence change affects an acceptor splice site in intron 15 of the C6 gene. It is expected to disrupt RNA splicing. Variants that disrupt the donor or acceptor splice site typically lead to a loss of protein function (PMID: 16199547), and loss-of-function variants in C6 are known to be pathogenic (PMID: 17257682). This variant is present in population databases (rs759338755, gnomAD 0.05%). This variant has not been reported in the literature in individuals affected with C6-related conditions. ClinVar contains an entry for this variant (Variation ID: 1490099). Algorithms developed to predict the effect of sequence changes on RNA splicing suggest that this variant may disrupt the consensus splice site. In summary, the currently available evidence indicates that the variant is pathogenic, but additional data are needed to prove that conclusively. Therefore, this variant has been classified as Likely Pathogenic.

Literature cited by the submitters: PubMed 16199547; PubMed 17257682.